The following is an entry in ClinVar:

NM_001303256.3(MORC2):c.1738-17T>A

Gene: MORC2 (MORC family CW-type zinc finger 2; minus strand). Cytogenetic location: 22q12.2.
Variant type: single nucleotide variant.
Coding change: c.1738-17T>A on transcript NM_001303256.3 (MANE Select); 17 bases into the intron before coding-DNA position 1738, T replaced by A.
Molecular consequence: intron variant.
Genome position (GRCh38, 1-based): chr22:30,935,339, A>T on the plus strand (T>A on the coding strand, the complement: MORC2 is on the minus strand). VCF-style: chr22-30935339-A-T. GRCh37 (hg19) VCF-style: chr22-31331326-A-T.
Other names: c.1738-17T>A (NM_001303257.2); c.1552-17T>A (NM_014941.3).
Identifiers: ClinVar variation 3003193 (VCV003003193.3), dbSNP rs1313591423, ClinGen allele CA2740094821.

ClinVar aggregate classification (germline): Uncertain significance (1 of 4 stars; one submission).

Conditions:
Charcot-Marie-Tooth disease axonal type 2Z. Also called: CHARCOT-MARIE-TOOTH DISEASE, AXONAL, AUTOSOMAL DOMINANT, TYPE 2Z; CHARCOT-MARIE-TOOTH NEUROPATHY, TYPE 2Z. Identifiers: Orphanet 466768, MedGen C5569025, MONDO:0014736, OMIM 616688.

Submission:

Labcorp Genetics (formerly Invitae), Labcorp
Classification: Uncertain significance for Charcot-Marie-Tooth disease axonal type 2Z. Last evaluated: 2023-10-10. Review status: criteria provided, single submitter. Criteria: Invitae Variant Classification Sherloc (09022015). Collection method: clinical testing. Allele origin: germline.
Comment: This sequence change falls in intron 17 of the MORC2 gene. It does not directly change the encoded amino acid sequence of the MORC2 protein. This variant is not present in population databases (gnomAD no frequency). This variant has not been reported in the literature in individuals affected with MORC2-related conditions. Algorithms developed to predict the effect of sequence changes on RNA splicing suggest that this variant may create or strengthen a splice site. In summary, the available evidence is currently insufficient to determine the role of this variant in disease. Therefore, it has been classified as a Variant of Uncertain Significance.